The following is an entry in ClinVar:

ClinVar aggregate classification (germline): Uncertain significance (1 of 4 stars; one submission).

Allele frequency attached by ClinVar (database versions not stated): gnomAD exomes below 0.00001; TOPMed below 0.00001; gnomAD 0.00001.

Submission:

Ambry Genetics
Classification: Uncertain significance. Last evaluated: 2022-01-31. Review status: criteria provided, single submitter. Criteria: Ambry Variant Classification Scheme 2023. Collection method: clinical testing. Allele origin: germline.
Comment: The p.M181I variant (also known as c.543G>A), located in coding exon 7 of the RAD54L gene, results from a G to A substitution at nucleotide position 543. The methionine at codon 181 is replaced by isoleucine, an amino acid with highly similar properties. This amino acid position is conserved. In addition, this alteration is predicted to be deleterious by in silico analysis. Since supporting evidence is limited at this time, the clinical significance of this alteration remains unclear.

NM_003579.4(RAD54L):c.543G>A (p.Met181Ile)

Gene: RAD54L (RAD54 like; plus strand). Cytogenetic location: 1p34.1.
Variant type: single nucleotide variant.
Coding change: c.543G>A on transcript NM_003579.4 (MANE Select); coding-DNA position 543, G replaced by A.
Protein change: p.Met181Ile; replaces methionine 181 with isoleucine.
Molecular consequence: missense variant. On other transcripts: initiator codon variant (1).
Genome position (GRCh38, 1-based): chr1:46,260,792, G>A. VCF-style: chr1-46260792-G-A. GRCh37 (hg19) VCF-style: chr1-46726464-G-A.
Other names: c.543G>A, p.Met181Ile (NM_001142548.2); c.3G>A, p.Met1Ile (NM_001370766.1); short protein forms M181I, M1I.
Identifiers: ClinVar variation 1747544 (VCV001747544.3), dbSNP rs1359318377, ClinGen allele CA340185890.